The following is an entry in ClinVar:

ClinVar aggregate classification (germline): Uncertain significance. Review status: criteria provided, multiple submitters, no conflicts (2 of 4 stars). 3 submissions from 3 submitters: Uncertain significance (3). Last evaluated 2024-05-02.

Conditions:
Acrocallosal syndrome (ACLS). Also called: Schinzel syndrome 1; Absence of corpus callosum with unusual facial appearance, mental deficiency, duplication of the halluces and polydactyly; HALLUX DUPLICATION, POSTAXIAL POLYDACTYLY, AND ABSENCE OF CORPUS CALLOSUM. Identifiers: Orphanet 36, MedGen C0796147, MONDO:0008708, OMIM 200990.
Hydrolethalus syndrome 2 (HLS2). Identifiers: Orphanet 2189, MedGen C3279899, MONDO:0013585, OMIM 614120.
Multiple epiphyseal dysplasia, Al-Gazali type. Also called: Macrocephaly with multiple epiphyseal dysplasia and distinctive facies. Identifiers: Orphanet 166024, MedGen C1846722, MONDO:0011778, OMIM 607131.

Allele frequency attached by ClinVar (database versions not stated): TOPMed below 0.00001; gnomAD 0.00002; gnomAD exomes 0.00005; ExAC 0.00006.

Submissions (3):

Fulgent Genetics
Classification: Uncertain significance for Acrocallosal syndrome; Multiple epiphyseal dysplasia, Al-Gazali type; Hydrolethalus syndrome 2. Last evaluated: 2024-05-02. Review status: criteria provided, single submitter. Criteria: ACMG Guidelines, 2015. Collection method: clinical testing. Allele origin: germline.

Labcorp Genetics (formerly Invitae), Labcorp
Classification: Uncertain significance for Acrocallosal syndrome. Last evaluated: 2022-10-24. Review status: criteria provided, single submitter. Criteria: Invitae Variant Classification Sherloc (09022015). Collection method: clinical testing. Allele origin: germline.
Comment: In summary, the available evidence is currently insufficient to determine the role of this variant in disease. Therefore, it has been classified as a Variant of Uncertain Significance. Algorithms developed to predict the effect of missense changes on protein structure and function (SIFT, PolyPhen-2, Align-GVGD) all suggest that this variant is likely to be disruptive. ClinVar contains an entry for this variant (Variation ID: 1402350). This variant has not been reported in the literature in individuals affected with KIF7-related conditions. This variant is present in population databases (rs771525697, gnomAD 0.04%). This sequence change replaces arginine, which is basic and polar, with glutamine, which is neutral and polar, at codon 939 of the KIF7 protein (p.Arg939Gln).

Blueprint Genetics
Classification: Uncertain significance. Last evaluated: 2021-07-07. Review status: criteria provided, single submitter. Criteria: ACMG Guidelines, 2015. Collection method: clinical testing. Allele origin: germline.

NM_198525.3(KIF7):c.2816G>A (p.Arg939Gln)

Gene: KIF7 (kinesin family member 7; minus strand). Cytogenetic location: 15q26.1.
Variant type: single nucleotide variant.
Coding change: c.2816G>A on transcript NM_198525.3 (MANE Select); coding-DNA position 2816, G replaced by A.
Protein change: p.Arg939Gln; replaces arginine 939 with glutamine.
Molecular consequence: missense variant.
Genome position (GRCh38, 1-based): chr15:89,632,899, C>T on the plus strand (G>A on the coding strand, the complement: KIF7 is on the minus strand). VCF-style: chr15-89632899-C-T. GRCh37 (hg19) VCF-style: chr15-90176130-C-T.
Other names: short protein forms R939Q.
Identifiers: ClinVar variation 1402350 (VCV001402350.8), dbSNP rs771525697, ClinGen allele CA7727939.
Genomic context (GRCh38, chr15:89,632,899, plus strand): 5'-TTGCTCTCCAGCCCCGTCTTCTCCTGCATCAGGGCCTCCTTCTTGGCCAGGATGGCCTCC[C>T]GCTTGTGGAGCTCCTCCCCCAGCTCCTCCAGCGCCCGCCGCTGCTGTAGCACCTTCTCCA-3'
Protein context (NP_940927.2, residues 929-949): LEELGEELHK[Arg939Gln]EAILAKKEAL